The following is an entry in ClinVar:

ClinVar aggregate classification (germline): Conflicting classifications of pathogenicity. Review status: criteria provided, conflicting classifications (1 of 4 stars). 10 submissions from 10 submitters: Uncertain significance (2); Benign (2); Likely benign (4). 2 of the submissions do not count toward it. Last evaluated 2026-06-01.

Conditions:
Inborn genetic diseases. Identifiers: MedGen C0950123, MeSH D030342.
Leigh syndrome (NULS). Also called: Leigh Disease; LEIGH SYNDROME, NUCLEAR; Leigh Syndrome (mtDNA deletion); Leigh's necrotizing encephalopathy; Leigh's disease; Leigh's syndrome. Identifiers: Orphanet 506, MedGen C2931891, MONDO:0009723, OMIM 256000.

Allele frequency attached by ClinVar (database versions not stated): 1000 Genomes Project 0.00200; 1000 Genomes Project 30x 0.00234; TOPMed 0.00401; ESP Exome Variant Server 0.00423.

Submissions (10):

CeGaT Center for Human Genetics Tuebingen
Classification: Likely benign. Last evaluated: 2026-06-01. Review status: criteria provided, single submitter. Criteria: CeGaT Center For Human Genetics Tuebingen Variant Classification Criteria Version 2. Collection method: clinical testing. Allele origin: germline. Affected: yes. Observed: 15 variant alleles.
Comment: SCO1: BP4, BS2

Labcorp Genetics (formerly Invitae), Labcorp
Classification: Benign. Last evaluated: 2026-01-15. Review status: criteria provided, single submitter. Criteria: Invitae Variant Classification Sherloc (09022015). Collection method: clinical testing. Allele origin: germline.

Ambry Genetics
Classification: Likely benign for Inborn genetic diseases. Last evaluated: 2025-09-23. Review status: criteria provided, single submitter. Criteria: Ambry Variant Classification Scheme 2023. Collection method: clinical testing. Allele origin: germline.

Blueprint Genetics
Classification: Likely benign. Last evaluated: 2024-11-21. Review status: criteria provided, single submitter. Criteria: ACMG Guidelines, 2015. Collection method: clinical testing. Allele origin: germline.

Women's Health and Genetics/Laboratory Corporation of America, LabCorp
Classification: Uncertain significance. Last evaluated: 2023-06-01. Review status: criteria provided, single submitter. Criteria: LabCorp Variant Classification Summary - May 2015. Collection method: clinical testing. Allele origin: germline.
Comment: Variant summary: SCO1 c.16C>G (p.Leu6Val) results in a conservative amino acid change in the encoded protein sequence. Five of five in-silico tools predict a benign effect of the variant on protein function. The variant allele was found at a frequency of 0.0036 in 248192 control chromosomes in the gnomAD database, including 2 homozygotes. c.16C>G has been reported in the literature in individuals affected with Mitochondrial Complex 4 Deficiency without evidence for causality (e.g. McCormack_2016, Kumps_2021). These reports do not provide unequivocal conclusions about association of the variant with Mitochondrial Complex 4 Deficiency, Nuclear Type 4. To our knowledge, no experimental evidence demonstrating an impact on protein function has been reported. The following publications have been ascertained in the context of this evaluation (PMID: 33340101; Book Chapter: DOI 10.1016/B978-0-12-800877-5.00021-8). Four ClinVar submitters have assessed the variant since 2014: one classified the variant as uncertain significance, two as likely benign, and one as benign. Based on the evidence outlined above, the variant was classified as uncertain significance.

Illumina Laboratory Services, Illumina
Classification: Uncertain significance for Leigh syndrome. Last evaluated: 2018-01-12. Review status: criteria provided, single submitter. Criteria: ICSL Variant Classification Criteria 13 December 2019. Collection method: clinical testing. Allele origin: germline.

Center for Pediatric Genomic Medicine, Children's Mercy Hospital and Clinics
Classification: Likely benign. Last evaluated: 2015-08-19. Review status: criteria provided, single submitter. Criteria: ACMG Guidelines, 2015. Collection method: clinical testing. Allele origin: germline.
ClinVar note: Converted during submission from Likely Benign to Likely benign.

GeneDx
Classification: Benign. Last evaluated: 2014-04-08. Review status: criteria provided, single submitter. Criteria: GeneDx Variant Classification (06012015). Collection method: clinical testing. Allele origin: germline. Affected: yes.
Comment: This variant is considered likely benign or benign based on one or more of the following criteria: it is a conservative change, it occurs at a poorly conserved position in the protein, it is predicted to be benign by multiple in silico algorithms, and/or has population frequency not consistent with disease.

Mayo Clinic Laboratories, Mayo Clinic
Classification: Uncertain significance. Last evaluated: 2016-02-22. Review status: no assertion criteria provided. Collection method: clinical testing. Allele origin: unknown. Not counted in ClinVar's aggregate classification.

Department of Pathology and Laboratory Medicine, Sinai Health System
Classification: Uncertain significance. Review status: no assertion criteria provided. Collection method: clinical testing. Allele origin: unknown. Affected: yes. Study: The Canadian Open Genetics Repository (COGR). Not counted in ClinVar's aggregate classification.
Comment: The SCO1 p.Leu6Val variant was not identified in the literature nor was it identified in the Cosmic database. The variant was identified in dbSNP (ID: rs61753148), ClinVar (reported as benign, likely benign and uncertain significance), Clinvitae, MutDB and LOVD 3.0. The variant was identified in control databases in 1015 of 279580 chromosomes (2 homozygous) at a frequency of 0.00363 increasing the likelihood this could be a low frequency benign variant (Genome Aggregation Database Feb 27, 2017). The variant was observed in the following populations: European (non-Finnish) in 818 of 126916 chromosomes (freq: 0.006445), Other in 25 of 7176 chromosomes (freq: 0.003484), Latino in 93 of 35346 chromosomes (freq: 0.002631), African in 39 of 24464 chromosomes (freq: 0.001594), South Asian in 26 of 30522 chromosomes (freq: 0.000852), European (Finnish) in 10 of 25074 chromosomes (freq: 0.000399), East Asian in 3 of 19798 chromosomes (freq: 0.000152), and Ashkenazi Jewish in 1 of 10284 chromosomes (freq: 0.000097). The p.Leu6 residue is conserved in mammals but not in more distantly related organisms however computational analyses (PolyPhen-2, SIFT, AlignGVGD, BLOSUM, and MutationTaster) do not suggest a high likelihood of impact to the protein; this information is not predictive enough to rule out pathogenicity. In summary, based on the above information the clinical significance of this variant cannot be determined with certainty at this time. This variant is classified as a variant of uncertain significance.

Literature cited by the submitters: PubMed 33340101 (cited by Women's Health and Genetics/Laboratory Corporation of America, LabCorp).

NM_004589.4(SCO1):c.16C>G (p.Leu6Val)

Genes: SCO1 (synthesis of cytochrome C oxidase 1; minus strand), LOC112529895 (Sharpr-MPRA regulatory region 5903; plus strand). Cytogenetic location: 17p13.1.
Variant type: single nucleotide variant.
Coding change: c.16C>G on transcript NM_004589.4 (MANE Select); coding-DNA position 16, C replaced by G.
Protein change: p.Leu6Val; replaces leucine 6 with valine.
Molecular consequence: missense variant.
Genome position (GRCh38, 1-based): chr17:10,697,492, G>C on the plus strand (C>G on the coding strand, the complement: SCO1 is on the minus strand). VCF-style: chr17-10697492-G-C. GRCh37 (hg19) VCF-style: chr17-10600809-G-C.
Other names: p.L6V:CTA>GTA; short protein forms L6V.
Identifiers: ClinVar variation 139078 (VCV000139078.63), dbSNP rs61753148, ClinGen allele CA293431.
Genomic context (GRCh38, chr17:10,697,492, plus strand): 5'-CGCGAGGCAAGAAGCGCCAAAGTTGGCCACCCAGAGGCCGCATAACTCGTCCGGGTACTA[G>C]GACCAGCATCGCCATGAGCCTCGGAGACCGGGTCTCCTTTGACCCTCCCCGCGATTTCCG-3'
Protein context (NP_004580.1, residues 1-16): MAMLV[Leu6Val]VPGRVMRPLG